The following is an entry in ClinVar:

ClinVar aggregate classification (germline): Uncertain significance (1 of 4 stars; one submission).

Conditions:
PLXNA4-related disorder. Also called: PLXNA4-related condition.

Allele frequency attached by ClinVar (database versions not stated): ExAC 0.00005; gnomAD 0.00007; ESP Exome Variant Server 0.00008; TOPMed 0.00008; gnomAD exomes 0.00013; 1000 Genomes Project 0.00020; 1000 Genomes Project 30x 0.00031.
gnomAD v4.1: 190 of 1,614,058 alleles (0.012%); highest among the groups gnomAD compares: Non-Finnish European, 0.015%; no homozygotes.

Submission:

PreventionGenetics, part of Exact Sciences
Classification: Uncertain significance for PLXNA4-related condition. Last evaluated: 2026-09-25. Review status: criteria provided, single submitter. Criteria: ACMG Guidelines, 2015. Collection method: clinical testing. Allele origin: germline.
Comment: The PLXNA4 c.1432G>A variant is predicted to result in the amino acid substitution p.Ala478Thr. To our knowledge, this variant has not been reported in the literature. This variant is reported in 0.0083% of alleles in individuals of African descent in gnomAD. At this time, the clinical significance of this variant is uncertain due to the absence of conclusive functional and genetic evidence.

NM_020911.2(PLXNA4):c.1372-87013G>A

Gene: PLXNA4 (plexin A4; minus strand). Cytogenetic location: 7q32.3.
Variant type: single nucleotide variant.
Coding change: c.1372-87013G>A on transcript NM_020911.2 (MANE Select); 87013 bases into the intron before coding-DNA position 1372, G replaced by A.
Molecular consequence: intron variant. On other transcripts: missense variant (1).
Genome position (GRCh38, 1-based): chr7:132,385,235, C>T on the plus strand (G>A on the coding strand, the complement: PLXNA4 is on the minus strand). VCF-style: chr7-132385235-C-T. GRCh37 (hg19) VCF-style: chr7-132069994-C-T.
Other names: c.1432G>A, p.Ala478Thr (NM_001105543.2); c.1372-87013G>A (NM_001393897.1); short protein forms A478T.
Identifiers: ClinVar variation 3049247 (VCV003049247.3), dbSNP rs199516266, ClinGen allele CA4490189.
Genomic context (GRCh38, chr7:132,385,235, plus strand): 5'-TCTGAAGTTTTTCTCAGTTTGATGAACAGCTGGAGAACAGGAGTTCCAGAGTCACTGTTG[C>T]TCTGTGGGATCGGGGTCCCGTCTGTAGCTCAAGGGTAGGGCAGAGGCTGGTACCAGGCAT-3'